The following continues an entry in ClinVar:

NM_001146079.2(CLDN14):c.488C>T (p.Ala163Val)

ClinVar aggregate classification (germline): Conflicting classifications of pathogenicity. Pathogenic (4); Likely pathogenic (10); Uncertain significance (1).

Submissions 13 to 16 of 16:

Women's Health and Genetics/Laboratory Corporation of America, LabCorp
Classification: Pathogenic for Autosomal recessive nonsyndromic hearing loss 29. Last evaluated: 2022-06-21. Review status: criteria provided, single submitter. Criteria: LabCorp Variant Classification Summary - May 2015. Collection method: clinical testing. Allele origin: germline.
Comment: Variant summary: CLDN14 c.488C>T (p.Ala163Val) results in a non-conservative amino acid change in the encoded protein sequence. Five of five in-silico tools predict a damaging effect of the variant on protein function. The variant allele was found at a frequency of 0.00029 in 249754 control chromosomes (gnomAD), and is commonly reported in individuals of Newfoundland ancestry due to a founder effect (Pater_2017). c.488C>T has been reported in the literature in several individuals affected with Autosomal Recessive Nonsyndromic Hearing Loss, including one compound heterozygous individual (Sloan-Heggen_2016) and several homozygous individuals from 2 unrelated Newfoundland families (Pater_2017). All homozygous individuals had a unique audioprofile that distinguised them from heterozygous and non-carrier family members with unexplained hearing loss (Pater_2017). These data indicate that the variant is very likely to be associated with disease. Four ClinVar submitters have assessed the variant since 2014: one classified the variant as VUS, two as likely pathogenic, and one as pathogenic. Based on the evidence outlined above, the variant was classified as pathogenic.

Victorian Clinical Genetics Services, Murdoch Childrens Research Institute
Classification: Pathogenic for Autosomal recessive nonsyndromic hearing loss 29. Last evaluated: 2022-02-02. Review status: criteria provided, single submitter. Criteria: ACMG Guidelines, 2015. Collection method: clinical testing. Allele origin: germline. Inheritance: Autosomal recessive inheritance. Affected: yes.
Comment: Based on the classification scheme VCGS_Germline_v1.3.4, this variant is classified as Pathogenic. Following criteria are met: 0102 - Loss of function is a known mechanism of disease in this gene and is associated with deafness 29 (MIM#614035). (I) 0106 - This gene is associated with autosomal recessive disease. (I) 0200 - Variant is predicted to result in a missense amino acid change from alanine to valine. (I) 0252 - This variant is homozygous. (I) 0304 - Variant is present in gnomAD (v2) <0.01 for a recessive condition (89 heterozygotes, 0 homozygotes). (SP) 0501 - Missense variant consistently predicted to be damaging by multiple in silico tools or highly conserved with a major amino acid change. (SP) 0600 - Variant is located in the annotated fourth transmembrane domain (PMID: 27838790). (I) 0705 - No comparable missense variants have previous evidence for pathogenicity. (I) 0802 - This variant has moderate previous evidence of pathogenicity in unrelated individuals. This variant has been classified as a VUS, but has more recently and consistently been classified as likely pathogenic or pathogenic (ClinVar). It has been observed in a compound heterozygous individual with congenital-onset nonsyndromic hearing loss (NSHL), and is regarded as a Newfoundland founder variant, having been observed in many homozygous individuals with mid-high frequency NSHL (PMID: 27838790, PMID: 26969326). (SP) 0901 - This variant has strong evidence for segregation with disease. This variant has been observed in a total of twelve homozygous individuals, all linked through haplotype mapping to be part of a single large family (PMID: 27838790). (SP) 1209 - This variant has been shown to be both maternally and paternally inherited (biallelic). (I) Legend: (SP) - Supporting pathogenic, (I) - Information, (SB) - Supporting benign

Illumina Laboratory Services, Illumina
Classification: Likely pathogenic for Autosomal recessive nonsyndromic hearing loss 29. Last evaluated: 2017-09-01. Review status: criteria provided, single submitter. Criteria: ICSL Variant Classification Criteria 09 May 2019. Collection method: clinical testing. Allele origin: germline.
Comment: The CLDN14 c.488C>T (p.Ala163Val) missense variant was identified in a compound heterozygous state with a second missense variant in one individual with nonsyndromic hearing loss (Sloan-Heggen et al. 2016). Pater et al (2017) reported the p.Ala163Val variant in a very large family from Newfoundland that was originally thought to be three separate families but detailed pedigree analysis revealed common ancestors. All ten individuals from this extended family with a rare audioprofile were found to be homozygous for the p.Ala163Val variant. A different audioprofile was identified in five additional individuals in the family with hearing loss. Of these five, one carried the p.Ala163Val variant in a heterozygous state; the remaining four did not carry this variant, and the authors suggest a second cause of hearing loss within the family. Seven additional unaffected members of this family were heterozygous for the p.Ala163Val variant. Analysis by Pater et al. (2017) of additional hearing loss families in Newfoundland revealed the variant in a homozygous state in two related individuals with the same audioprofile as the homozygotes from the extended family, and in a heterozygous state in two further unrelated individuals with hearing loss. The variant was also found in a heterozygous state in an unaffected relative of the two homozygotes. The p.Ala163Val variant was identified in a heterozygous state in four of 175 normal-hearing controls (Pater et al. 2017) and is reported at a frequency of 0.00070 in the European American population of the Exome Sequencing Project. Based on the evidence, the p.Ala163Val variant is classified as likely pathogenic for autosomal recessive nonsyndromic hearing loss. This variant was observed by ICSL as part of a predisposition screen in an ostensibly healthy population.

Laboratory for Molecular Medicine, Mass General Brigham Personalized Medicine
Classification: Uncertain significance. Last evaluated: 2015-10-23. Review status: flagged submission. Criteria: LMM Criteria. Collection method: clinical testing. Allele origin: germline. Observed: 2 variant alleles. Not counted in ClinVar's aggregate classification.
Comment: The variant has been id entified in 29/66382 European chromosomes by the Exome Aggregation Consortium (E xAC; dbSNP rs143797113). Although this variant h as been seen in the general population, its frequency is not high enough to rule out a pathogenic role. Computational prediction tools and conservation analysis suggest that this variant may impact the protein, though this information is no t predictive enough to determine pathogenicity. In summary, the clinical signifi cance of the p.Ala163Val variant is uncertain.
ClinVar note: Reason: Outlier claim with insufficient supporting evidence

Literature cited by the submitters: PubMed 27838790 (cited by 9 submitters); PubMed 23991001 (cited by Laboratory of Molecular, Cellular and Translation Genetics in Otolaryngology/ Lim32-hcfmusp, University of Sao Paulo School of Medicine Clinics Hospital and Laboratory for Molecular Medicine, Mass General Brigham Personalized Medicine); PubMed 26969326 (cited by 6 submitters); PubMed 42233699 (cited by Laboratory of Molecular, Cellular and Translation Genetics in Otolaryngology/ Lim32-hcfmusp, University of Sao Paulo School of Medicine Clinics Hospital); PubMed 36147510 (cited by Rare Kidney Stone Consortium and the Mayo Clinic Hyperoxaluria Center, Mayo Clinic); PubMed 40794449 (cited by Rare Kidney Stone Consortium and the Mayo Clinic Hyperoxaluria Center, Mayo Clinic).